The following is an entry in ClinVar:

NM_152672.6(SLC51A):c.721C>T (p.Arg241Cys)

Gene: SLC51A (solute carrier family 51 member A; plus strand). Cytogenetic location: 3q29.
Variant type: single nucleotide variant.
Coding change: c.721C>T on transcript NM_152672.6 (MANE Select); coding-DNA position 721, C replaced by T.
Protein change: p.Arg241Cys; replaces arginine 241 with cysteine.
Molecular consequence: missense variant.
Genome position (GRCh38, 1-based): chr3:196,230,002, C>T. VCF-style: chr3-196230002-C-T. GRCh37 (hg19) VCF-style: chr3-195956873-C-T.
Other names: short protein forms R241C.
Identifiers: ClinVar variation 4988577 (VCV004988577.1).
Genomic context (GRCh38, chr3:196,230,002, plus strand): 5'-ATCAACACTTTCCTTGGCGTGTCCACACTGCTGGCTCTCTGGACCCTGGGCATCATTTCC[C>T]GTCAAGCCAGGCTACACCTGGGTGAGCAGAACATGGGAGCCAAATTTGCTCTGTTCCAGG-3'
Protein context (NP_689885.4, residues 231-251): LALWTLGIIS[Arg241Cys]QARLHLGEQN

ClinVar aggregate classification (germline): Uncertain significance (1 of 4 stars; one submission).

Conditions:
SLC51A-related disorder. Also called: SLC51A-related condition.

Submission:

PreventionGenetics, part of Exact Sciences
Classification: Uncertain significance for SLC51A-related condition. Last evaluated: 2025-07-22. Review status: criteria provided, single submitter. Criteria: ACMG Guidelines, 2015. Collection method: clinical testing. Allele origin: germline.
Comment: The SLC51A c.721C>T variant is predicted to result in the amino acid substitution p.Arg241Cys. To our knowledge, this variant has not been reported in the literature. This variant is reported in 0.0058% of alleles in individuals of Latino descent in gnomAD. At this time, the clinical significance of this variant is uncertain due to the absence of conclusive functional and genetic evidence.